The following is an entry in ClinVar:

NM_032444.4(SLX4):c.3677G>A (p.Arg1226Gln)

Gene: SLX4 (SLX4 structure-specific endonuclease subunit; minus strand). Cytogenetic location: 16p13.3.
Variant type: single nucleotide variant.
Coding change: c.3677G>A on transcript NM_032444.4 (MANE Select); coding-DNA position 3677, G replaced by A.
Protein change: p.Arg1226Gln; replaces arginine 1226 with glutamine.
Molecular consequence: missense variant.
Genome position (GRCh38, 1-based): chr16:3,589,961, C>T on the plus strand (G>A on the coding strand, the complement: SLX4 is on the minus strand). VCF-style: chr16-3589961-C-T. GRCh37 (hg19) VCF-style: chr16-3639962-C-T.
Other names: c.3677G>A (LRG_503t1); short protein forms R1226Q.
Identifiers: ClinVar variation 456314 (VCV000456314.6), dbSNP rs748607152, ClinGen allele CA7865870.

ClinVar aggregate classification (germline): Uncertain significance (1 of 4 stars; one submission).

Conditions:
Fanconi anemia (FA). Also called: Fanconi's anemia. Identifiers: Orphanet 84, MedGen C0015625, MeSH D005199, MONDO:0019391.

Allele frequency attached by ClinVar (database versions not stated): ExAC 0.00002; gnomAD exomes 0.00002 and 0.00003; TOPMed 0.00002.
gnomAD v4.1: 44 of 1,613,706 alleles (0.0027%); highest among the groups gnomAD compares: Admixed American, 0.005%; no homozygotes.

Submission:

Labcorp Genetics (formerly Invitae), Labcorp
Classification: Uncertain significance for Fanconi anemia. Last evaluated: 2021-09-02. Review status: criteria provided, single submitter. Criteria: Invitae Variant Classification Sherloc (09022015). Collection method: clinical testing. Allele origin: germline.
Comment: This sequence change replaces arginine with glutamine at codon 1226 of the SLX4 protein (p.Arg1226Gln). The arginine residue is weakly conserved and there is a small physicochemical difference between arginine and glutamine. This variant is present in population databases (rs748607152, ExAC 0.009%). This variant has not been reported in the literature in individuals affected with SLX4-related conditions. Algorithms developed to predict the effect of missense changes on protein structure and function output the following: SIFT: "Tolerated"; PolyPhen-2: "Benign"; Align-GVGD: "Class C0". The glutamine amino acid residue is found in multiple mammalian species, which suggests that this missense change does not adversely affect protein function. In summary, the available evidence is currently insufficient to determine the role of this variant in disease. Therefore, it has been classified as a Variant of Uncertain Significance.